The following is an entry in ClinVar:

NM_000426.4(LAMA2):c.2227A>G (p.Arg743Gly)

Gene: LAMA2 (laminin subunit alpha 2; plus strand). Cytogenetic location: 6q22.33.
Variant type: single nucleotide variant.
Coding change: c.2227A>G on transcript NM_000426.4 (MANE Select); coding-DNA position 2227, A replaced by G.
Protein change: p.Arg743Gly; replaces arginine 743 with glycine.
Molecular consequence: missense variant.
Genome position (GRCh38, 1-based): chr6:129,267,124, A>G. VCF-style: chr6-129267124-A-G. GRCh37 (hg19) VCF-style: chr6-129588269-A-G.
Other names: c.2227A>G, p.Arg743Gly (NM_001079823.2); short protein forms R743G.
Identifiers: ClinVar variation 1315495 (VCV001315495.2), dbSNP rs1787575888, ClinGen allele CA365608761.
Genomic context (GRCh38, chr6:129,267,124, plus strand): 5'-TTTTAATCTCCAAGACTGACTAAAGCCTTATCTTTCTCTCAGTCTTGTTGGCCTAGGCAC[A>G]GGCGAGTTAACGGCACTATTTTTGGTGGCATCTGTGAGCCATGTCAGTGCTTTGGTCATG-3'
Protein context (NP_000417.3, residues 733-753): SSCESCWPRH[Arg743Gly]RVNGTIFGGI

ClinVar aggregate classification (germline): Uncertain significance (1 of 4 stars; one submission).

Allele frequency attached by ClinVar (database versions not stated): gnomAD exomes 0.00001.
gnomAD v4.1: 11 of 1,612,166 alleles (0.00068%); highest among the groups gnomAD compares: Non-Finnish European, 0.00093%; no homozygotes.

Submission:

GeneDx
Classification: Uncertain significance. Last evaluated: 2020-03-03. Review status: criteria provided, single submitter. Criteria: GeneDx Variant Classification Process June 2021. Collection method: clinical testing. Allele origin: germline. Affected: yes.
Comment: Not observed in large population cohorts (Lek et al., 2016); In silico analysis supports that this missense variant has a deleterious effect on protein structure/function; Has not been previously published as pathogenic or benign to our knowledge